The following is an entry in ClinVar:

ClinVar aggregate classification (germline): Uncertain significance (1 of 4 stars; one submission).

Submission:

Labcorp Genetics (formerly Invitae), Labcorp
Classification: Uncertain significance. Last evaluated: 2022-08-20. Review status: criteria provided, single submitter. Criteria: Invitae Variant Classification Sherloc (09022015). Collection method: clinical testing. Allele origin: germline.
Comment: This sequence change replaces valine, which is neutral and non-polar, with isoleucine, which is neutral and non-polar, at codon 16 of the AAAS protein (p.Val16Ile). This variant is not present in population databases (gnomAD no frequency). This variant has not been reported in the literature in individuals affected with AAAS-related conditions. Algorithms developed to predict the effect of missense changes on protein structure and function output the following: SIFT: "Tolerated"; PolyPhen-2: "Benign"; Align-GVGD: "Class C0". The isoleucine amino acid residue is found in multiple mammalian species, which suggests that this missense change does not adversely affect protein function. In summary, the available evidence is currently insufficient to determine the role of this variant in disease. Therefore, it has been classified as a Variant of Uncertain Significance.

NM_015665.6(AAAS):c.46G>A (p.Val16Ile)

Gene: AAAS (aladin WD repeat nucleoporin; minus strand). Cytogenetic location: 12q13.13.
Variant type: single nucleotide variant.
Coding change: c.46G>A on transcript NM_015665.6 (MANE Select); coding-DNA position 46, G replaced by A.
Protein change: p.Val16Ile; replaces valine 16 with isoleucine.
Molecular consequence: missense variant.
Genome position (GRCh38, 1-based): chr12:53,321,420, C>T on the plus strand (G>A on the coding strand, the complement: AAAS is on the minus strand). VCF-style: chr12-53321420-C-T. GRCh37 (hg19) VCF-style: chr12-53715204-C-T.
Other names: c.46G>A, p.Val16Ile (NM_001173466.2); short protein forms V16I.
Identifiers: ClinVar variation 1713629 (VCV001713629.3), dbSNP rs2498644690, ClinGen allele CA385047532.